The following is an entry in ClinVar:

NM_019066.5(MAGEL2):c.3406C>A (p.Leu1136Met)

Gene: MAGEL2 (MAGE family member L2; minus strand). Cytogenetic location: 15q11.2.
Variant type: single nucleotide variant.
Coding change: c.3406C>A on transcript NM_019066.5 (MANE Select); coding-DNA position 3406, C replaced by A.
Protein change: p.Leu1136Met; replaces leucine 1136 with methionine.
Molecular consequence: missense variant.
Genome position (GRCh38, 1-based): chr15:23,644,337, G>T on the plus strand (C>A on the coding strand, the complement: MAGEL2 is on the minus strand). VCF-style: chr15-23644337-G-T. GRCh37 (hg19) VCF-style: chr15-23889484-G-T.
Other names: c.3406C>A (NM_019066.4); short protein forms L1136M.
Identifiers: ClinVar variation 2644978 (VCV002644978.28), dbSNP rs778703892, ClinGen allele CA7429699.

ClinVar aggregate classification (germline): Conflicting classifications of pathogenicity. Review status: criteria provided, conflicting classifications (1 of 4 stars). 3 submissions from 3 submitters: Uncertain significance (2); Likely benign (1). Last evaluated 2026-08-01.

Conditions:
MAGEL2-related disorder. Also called: MAGEL2-related condition.

Allele frequency attached by ClinVar (database versions not stated): gnomAD exomes 0.00002; ExAC 0.00003.
gnomAD v4.1: 30 of 1,613,806 alleles (0.0019%); highest among the groups gnomAD compares: Middle Eastern, 0.082%; no homozygotes.

Submissions (3):

CeGaT Center for Human Genetics Tuebingen
Classification: Likely benign. Last evaluated: 2026-08-01. Review status: criteria provided, single submitter. Criteria: CeGaT Center For Human Genetics Tuebingen Variant Classification Criteria Version 2. Collection method: clinical testing. Allele origin: germline. Affected: yes. Observed: 6 variant alleles.
Comment: MAGEL2: BP4

PreventionGenetics, part of Exact Sciences
Classification: Uncertain significance for MAGEL2-related condition. Last evaluated: 2026-06-10. Review status: criteria provided, single submitter. Criteria: ACMG Guidelines, 2015. Collection method: clinical testing. Allele origin: germline.
Comment: The MAGEL2 c.3406C>A variant is predicted to result in the amino acid substitution p.Leu1136Met. To our knowledge, this variant has not been reported in the literature. This variant is reported in 0.013% of alleles in individuals of South Asian descent in gnomAD. At this time, the clinical significance of this variant is uncertain due to the absence of conclusive functional and genetic evidence.

Labcorp Genetics (formerly Invitae), Labcorp
Classification: Uncertain significance. Last evaluated: 2024-04-29. Review status: criteria provided, single submitter. Criteria: Invitae Variant Classification Sherloc (09022015). Collection method: clinical testing. Allele origin: germline.
Comment: This sequence change replaces leucine, which is neutral and non-polar, with methionine, which is neutral and non-polar, at codon 1136 of the MAGEL2 protein (p.Leu1136Met). This variant is present in population databases (rs778703892, gnomAD 0.01%). This variant has not been reported in the literature in individuals affected with MAGEL2-related conditions. ClinVar contains an entry for this variant (Variation ID: 2644978). Advanced modeling of protein sequence and biophysical properties (such as structural, functional, and spatial information, amino acid conservation, physicochemical variation, residue mobility, and thermodynamic stability) has been performed at Invitae for this missense variant, however the output from this modeling did not meet the statistical confidence thresholds required to predict the impact of this variant on MAGEL2 protein function. In summary, the available evidence is currently insufficient to determine the role of this variant in disease. Therefore, it has been classified as a Variant of Uncertain Significance.